The following is an entry in ClinVar:

ClinVar aggregate classification (germline): Uncertain significance (1 of 4 stars; one submission).

Conditions:
Hermansky-Pudlak syndrome 2 (HPS2). Also called: Platelet defects and oculocutaneous albinism. Identifiers: Orphanet 183678, Orphanet 79430, MedGen C1842362, MONDO:0011997, OMIM 608233.

Allele frequency attached by ClinVar (database versions not stated): gnomAD 0.00001; TOPMed 0.00001; ESP Exome Variant Server 0.00008.
gnomAD v4.1: 1 of 1,609,272 alleles (0.000062%); highest among the groups gnomAD compares: African/African-American, 0.0013%; no homozygotes.

Submission:

Labcorp Genetics (formerly Invitae), Labcorp
Classification: Uncertain significance for Hermansky-Pudlak syndrome 2. Last evaluated: 2019-04-03. Review status: criteria provided, single submitter. Criteria: Invitae Variant Classification Sherloc (09022015). Collection method: clinical testing. Allele origin: germline.
Comment: In summary, the available evidence is currently insufficient to determine the role of this variant in disease. Therefore, it has been classified as a Variant of Uncertain Significance. Algorithms developed to predict the effect of missense changes on protein structure and function are either unavailable or do not agree on the potential impact of this missense change (SIFT: "Deleterious"; PolyPhen-2: "Possibly Damaging"; Align-GVGD: "Class C0"). This variant has not been reported in the literature in individuals with AP3B1-related conditions. This variant is not present in population databases (ExAC no frequency). This sequence change replaces threonine with isoleucine at codon 966 of the AP3B1 protein (p.Thr966Ile). The threonine residue is moderately conserved and there is a moderate physicochemical difference between threonine and isoleucine.

NM_003664.5(AP3B1):c.2897C>T (p.Thr966Ile)

Gene: AP3B1 (adaptor related protein complex 3 subunit beta 1; minus strand). Cytogenetic location: 5q14.1.
Variant type: single nucleotide variant.
Coding change: c.2897C>T on transcript NM_003664.5 (MANE Select); coding-DNA position 2897, C replaced by T.
Protein change: p.Thr966Ile; replaces threonine 966 with isoleucine.
Molecular consequence: missense variant.
Genome position (GRCh38, 1-based): chr5:78,020,787, G>A on the plus strand (C>T on the coding strand, the complement: AP3B1 is on the minus strand). VCF-style: chr5-78020787-G-A. GRCh37 (hg19) VCF-style: chr5-77316611-G-A.
Other names: c.2750C>T, p.Thr917Ile (NM_001271769.2); short protein forms T917I, T966I.
Identifiers: ClinVar variation 952114 (VCV000952114.9), dbSNP rs369459422, ClinGen allele CA121593586.
Genomic context (GRCh38, chr5:78,020,787, plus strand): 5'-ACAGGTAAAAGCAGTTCTCCAACAGGTGGCTGAATATTAACATTGAAGCAATCATCCTTG[G>A]TACTGAAGAAAAACAATCAAAGCTGACTAAATGCTTCATAAATAAACATTCTTAATACTA-3'
Protein context (NP_003655.3, residues 956-976): STQTASFQLC[Thr966Ile]KDDCFNVNIQ